The following is an entry in ClinVar:

ClinVar aggregate classification (germline): Uncertain significance. Review status: criteria provided, multiple submitters, no conflicts (2 of 4 stars). 2 submissions from 2 submitters: Uncertain significance (2). Last evaluated 2026-02-19.

Conditions:
Arrhythmogenic right ventricular dysplasia 13. Also called: Arrhythmogenic right ventricular dysplasia, familial, 13; ARRHYTHMOGENIC RIGHT VENTRICULAR CARDIOMYOPATHY 13. Identifiers: MedGen C3810138, MONDO:0000908, OMIM 615616.

Allele frequency attached by ClinVar (database versions not stated): TOPMed 0.00001.

Submissions (2):

Ambry Genetics
Classification: Uncertain significance. Last evaluated: 2026-02-19. Review status: criteria provided, single submitter. Criteria: Ambry Variant Classification Scheme 2023. Collection method: clinical testing. Allele origin: germline.
Comment: The p.V586G variant (also known as c.1757T>G), located in coding exon 12 of the CTNNA3 gene, results from a T to G substitution at nucleotide position 1757. The valine at codon 586 is replaced by glycine, an amino acid with dissimilar properties. This amino acid position is conserved. In addition, the in silico prediction for this alteration is inconclusive. Based on the available evidence, the clinical significance of this variant remains unclear.

Labcorp Genetics (formerly Invitae), Labcorp
Classification: Uncertain significance for Arrhythmogenic right ventricular dysplasia 13. Last evaluated: 2022-05-05. Review status: criteria provided, single submitter. Criteria: Invitae Variant Classification Sherloc (09022015). Collection method: clinical testing. Allele origin: germline.
Comment: Algorithms developed to predict the effect of missense changes on protein structure and function are either unavailable or do not agree on the potential impact of this missense change (SIFT: "Deleterious"; PolyPhen-2: "Not Available"; Align-GVGD: "Class C0"). This variant has not been reported in the literature in individuals affected with CTNNA3-related conditions. In summary, the available evidence is currently insufficient to determine the role of this variant in disease. Therefore, it has been classified as a Variant of Uncertain Significance. This variant is not present in population databases (gnomAD no frequency). This sequence change replaces valine, which is neutral and non-polar, with glycine, which is neutral and non-polar, at codon 586 of the CTNNA3 protein (p.Val586Gly).

NM_013266.4(CTNNA3):c.1757T>G (p.Val586Gly)

Gene: CTNNA3 (catenin alpha 3; minus strand). Cytogenetic location: 10q21.3.
Variant type: single nucleotide variant.
Coding change: c.1757T>G on transcript NM_013266.4 (MANE Select); coding-DNA position 1757, T replaced by G.
Protein change: p.Val586Gly; replaces valine 586 with glycine.
Molecular consequence: missense variant.
Genome position (GRCh38, 1-based): chr10:66,280,597, A>C on the plus strand (T>G on the coding strand, the complement: CTNNA3 is on the minus strand). VCF-style: chr10-66280597-A-C. GRCh37 (hg19) VCF-style: chr10-68040355-A-C.
Other names: c.1757T>G (NM_013266.2); c.1757T>G, p.Val586Gly (NM_001127384.3); short protein forms V586G.
Identifiers: ClinVar variation 2095713 (VCV002095713.6), dbSNP rs1400795607, ClinGen allele CA377091116.